The following is an entry in ClinVar:

ClinVar aggregate classification (germline): Uncertain significance (1 of 4 stars; one submission).

Submission:

Labcorp Genetics (formerly Invitae), Labcorp
Classification: Uncertain significance. Last evaluated: 2023-11-14. Review status: criteria provided, single submitter. Criteria: Invitae Variant Classification Sherloc (09022015). Collection method: clinical testing. Allele origin: germline.
Comment: This sequence change results in a frameshift in the SRP72 gene (p.Arg645Thrfs*47). While this is not anticipated to result in nonsense mediated decay, it is expected to disrupt the last 27 amino acid(s) of the SRP72 protein and extend the protein by 19 additional amino acid residues. This variant is not present in population databases (gnomAD no frequency). This variant has not been reported in the literature in individuals affected with SRP72-related conditions. In summary, the available evidence is currently insufficient to determine the role of this variant in disease. Therefore, it has been classified as a Variant of Uncertain Significance.

NM_006947.4(SRP72):c.1932_1933del (p.Arg645fs)

Gene: SRP72 (signal recognition particle 72; plus strand). Cytogenetic location: 4q12.
Variant type: Deletion.
Coding change: c.1932_1933del on transcript NM_006947.4 (MANE Select); coding-DNA positions 1932 to 1933, 2 bases deleted (AA; older notation c.1932_1933delAA).
Protein change: p.Arg645fs; shifts the reading frame from arginine 645.
Molecular consequence: frameshift variant. On other transcripts: non-coding transcript variant (1).
Genome position (GRCh38, 1-based): chr4:56,501,777-56,501,778, AA deleted. VCF-style (leftmost placement, unchanged base first): chr4-56501776-CAA-C. GRCh37 (hg19) VCF-style: chr4-57367942-CAA-C.
Other names: c.1749_1750del, p.Arg584fs (NM_001267722.2); short protein forms R645fs, R584fs.
Identifiers: ClinVar variation 2695580 (VCV002695580.3), dbSNP rs2545778177, ClinGen allele CA2697546793.